The following is an entry in ClinVar:

NM_017950.4(CCDC40):c.232G>A (p.Glu78Lys)

Gene: CCDC40 (coiled-coil domain 40 molecular ruler complex subunit; plus strand). Cytogenetic location: 17q25.3.
Variant type: single nucleotide variant.
Coding change: c.232G>A on transcript NM_017950.4 (MANE Select); coding-DNA position 232, G replaced by A.
Protein change: p.Glu78Lys; replaces glutamic acid 78 with lysine.
Molecular consequence: missense variant.
Genome position (GRCh38, 1-based): chr17:80,039,950, G>A. VCF-style: chr17-80039950-G-A. GRCh37 (hg19) VCF-style: chr17-78013749-G-A.
Other names: c.232G>A, p.Glu78Lys (NM_001243342.2, NM_001330508.2); short protein forms E78K.
Identifiers: ClinVar variation 582066 (VCV000582066.19), dbSNP rs1568667170, ClinGen allele CA401347587.

ClinVar aggregate classification (germline): Uncertain significance (1 of 4 stars; one submission).

Conditions:
Primary ciliary dyskinesia. Also called: Ciliary dyskinesia. Identifiers: Orphanet 244, MedGen C0008780, MONDO:0016575, HP:0012265.

Allele frequency attached by ClinVar (database versions not stated): TOPMed below 0.00001; gnomAD exomes 0.00001.
gnomAD v4.1: 10 of 1,613,764 alleles (0.00062%); highest among the groups gnomAD compares: Non-Finnish European, 0.00076%; no homozygotes.

Submission:

Labcorp Genetics (formerly Invitae), Labcorp
Classification: Uncertain significance for Primary ciliary dyskinesia. Last evaluated: 2019-10-19. Review status: criteria provided, single submitter. Criteria: Invitae Variant Classification Sherloc (09022015). Collection method: clinical testing. Allele origin: germline.
Comment: In summary, the available evidence is currently insufficient to determine the role of this variant in disease. Therefore, it has been classified as a Variant of Uncertain Significance. Algorithms developed to predict the effect of missense changes on protein structure and function (SIFT, PolyPhen-2, Align-GVGD) all suggest that this variant is likely to be tolerated, but these predictions have not been confirmed by published functional studies and their clinical significance is uncertain. This variant has not been reported in the literature in individuals with CCDC40-related disease. This variant is not present in population databases (ExAC no frequency). This sequence change replaces glutamic acid with lysine at codon 78 of the CCDC40 protein (p.Glu78Lys). The glutamic acid residue is weakly conserved and there is a small physicochemical difference between glutamic acid and lysine.